The following is an entry in ClinVar:

ClinVar aggregate classification (germline): Uncertain significance (1 of 4 stars; one submission).

Allele frequency attached by ClinVar (database versions not stated): gnomAD exomes below 0.00001.
gnomAD v4.1: 1 of 1,208,430 alleles (0.000083%); highest among the groups gnomAD compares: Non-Finnish European, 0.00011%; no homozygotes.

Submission:

Labcorp Genetics (formerly Invitae), Labcorp
Classification: Uncertain significance. Last evaluated: 2023-02-11. Review status: criteria provided, single submitter. Criteria: Invitae Variant Classification Sherloc (09022015). Collection method: clinical testing. Allele origin: germline.
Comment: In summary, the available evidence is currently insufficient to determine the role of this variant in disease. Therefore, it has been classified as a Variant of Uncertain Significance. Algorithms developed to predict the effect of sequence changes on RNA splicing suggest that this variant may create or strengthen a splice site. This variant has not been reported in the literature in individuals affected with POLA1-related conditions. This variant is not present in population databases (gnomAD no frequency). This sequence change affects codon 375 of the POLA1 mRNA. It is a 'silent' change, meaning that it does not change the encoded amino acid sequence of the POLA1 protein.

NM_001330360.2(POLA1):c.1143C>T (p.Ser381=)

Gene: POLA1 (DNA polymerase alpha 1, catalytic subunit; plus strand). Cytogenetic location: Xp22.11.
Variant type: single nucleotide variant.
Coding change: c.1143C>T on transcript NM_001330360.2 (MANE Select); coding-DNA position 1143, C replaced by T.
Protein change: p.Ser381=; no amino-acid change (serine 381 retained).
Molecular consequence: synonymous variant. On other transcripts: non-coding transcript variant (2).
Genome position (GRCh38, 1-based): chrX:24,723,210, C>T. VCF-style: chrX-24723210-C-T. GRCh37 (hg19) VCF-style: chrX-24741327-C-T.
Other names: c.1143C>T, p.Ser381= (NM_001378303.1); c.1125C>T, p.Ser375= (NM_016937.4).
Identifiers: ClinVar variation 2836466 (VCV002836466.3), dbSNP rs2518779169, ClinGen allele CA515712232.